The following is an entry in ClinVar:

NM_001378414.1(HDAC4):c.870C>T (p.Ser290=)

Gene: HDAC4 (histone deacetylase 4; minus strand). Cytogenetic location: 2q37.3.
Variant type: single nucleotide variant.
Coding change: c.870C>T on transcript NM_001378414.1 (MANE Select); coding-DNA position 870, C replaced by T.
Protein change: p.Ser290=; no amino-acid change (serine 290 retained).
Molecular consequence: synonymous variant.
Genome position (GRCh38, 1-based): chr2:239,139,792, G>A on the plus strand (C>T on the coding strand, the complement: HDAC4 is on the minus strand). VCF-style: chr2-239139792-G-A. GRCh37 (hg19) VCF-style: chr2-240061488-G-A.
Other names: c.870C>T, p.Ser290= (NM_001378415.1, NM_001378416.1, NM_001378417.1 and 1 more transcripts).
Identifiers: ClinVar variation 706143 (VCV000706143.28), dbSNP rs552983427, ClinGen allele CA2200022.

ClinVar aggregate classification (germline): Benign/Likely benign. Review status: criteria provided, multiple submitters, no conflicts (2 of 4 stars). 2 submissions from 2 submitters: Benign (1); Likely benign (1). Last evaluated 2026-01-06.

Allele frequency attached by ClinVar (database versions not stated): gnomAD 0.00001 and 0.00020; TOPMed 0.00005; gnomAD exomes 0.00091; 1000 Genomes Project 30x 0.00094; 1000 Genomes Project 0.00100; ExAC 0.00110.
gnomAD v4.1: 728 of 1,612,936 alleles (0.045%); highest among the groups gnomAD compares: South Asian, 0.75%; 9 homozygotes.

Submissions (2):

Labcorp Genetics (formerly Invitae), Labcorp
Classification: Benign. Last evaluated: 2026-01-06. Review status: criteria provided, single submitter. Criteria: Invitae Variant Classification Sherloc (09022015). Collection method: clinical testing. Allele origin: germline.

CeGaT Center for Human Genetics Tuebingen
Classification: Likely benign. Last evaluated: 2025-04-01. Review status: criteria provided, single submitter. Criteria: CeGaT Center For Human Genetics Tuebingen Variant Classification Criteria Version 2. Collection method: clinical testing. Allele origin: germline. Affected: yes. Observed: 2 variant alleles.
Comment: HDAC4: BP4, BP7